The following is an entry in ClinVar:

ClinVar aggregate classification (germline): Uncertain significance. Review status: criteria provided, multiple submitters, no conflicts (2 of 4 stars). 2 submissions from 2 submitters: Uncertain significance (2). Last evaluated 2026-01-12.

Conditions:
FBXO38-related disorder. Also called: FBXO38-related condition.
Distal hereditary motor neuropathy type 2. Identifiers: Orphanet 139525, MedGen C3711384, MeSH C580044, MONDO:0015352.

Allele frequency attached by ClinVar (database versions not stated): ExAC 0.00004; gnomAD exomes 0.00004 and 0.00013; gnomAD 0.00010; TOPMed 0.00011.
gnomAD v4.1: 209 of 1,592,930 alleles (0.013%); highest among the groups gnomAD compares: Non-Finnish European, 0.016%; no homozygotes.

Submissions (2):

PreventionGenetics, part of Exact Sciences
Classification: Uncertain significance for FBXO38-related condition. Last evaluated: 2026-01-12. Review status: criteria provided, single submitter. Criteria: ACMG Guidelines, 2015. Collection method: clinical testing. Allele origin: germline.
Comment: The FBXO38 c.3036C>G variant is predicted to result in the amino acid substitution p.Ile1012Met. To our knowledge, this variant has not been reported in the literature. This variant is reported in 0.0094% of alleles in individuals of European (non-Finnish) descent in gnomAD. At this time, the clinical significance of this variant is uncertain due to the absence of conclusive functional and genetic evidence.

Labcorp Genetics (formerly Invitae), Labcorp
Classification: Uncertain significance for Distal hereditary motor neuropathy type 2. Last evaluated: 2025-12-19. Review status: criteria provided, single submitter. Criteria: Invitae Variant Classification Sherloc (09022015). Collection method: clinical testing. Allele origin: germline.
Comment: This sequence change replaces isoleucine, which is neutral and non-polar, with methionine, which is neutral and non-polar, at codon 1012 of the FBXO38 protein (p.Ile1012Met). This variant is present in population databases (rs201719515, gnomAD 0.01%). This variant has not been reported in the literature in individuals affected with FBXO38-related conditions. This missense change has been observed in at least one individual who was not affected with FBXO38-related conditions (internal data). ClinVar contains an entry for this variant (Variation ID: 639253). An algorithm developed to predict the effect of missense changes on protein structure and function (PolyPhen-2) suggests that this variant is likely to be disruptive. In summary, the available evidence is currently insufficient to determine the role of this variant in disease. Therefore, it has been classified as a Variant of Uncertain Significance.

NM_205836.3(FBXO38):c.3261C>G (p.Ile1087Met)

Gene: FBXO38 (F-box protein 38; plus strand). Cytogenetic location: 5q32.
Variant type: single nucleotide variant.
Coding change: c.3261C>G on transcript NM_205836.3 (MANE Select); coding-DNA position 3261, C replaced by G.
Protein change: p.Ile1087Met; replaces isoleucine 1087 with methionine.
Molecular consequence: missense variant.
Genome position (GRCh38, 1-based): chr5:148,440,514, C>G. VCF-style: chr5-148440514-C-G. GRCh37 (hg19) VCF-style: chr5-147820077-C-G.
Other names: c.2526C>G, p.Ile842Met (NM_001271723.2); c.3036C>G, p.Ile1012Met (NM_030793.5); short protein forms I1012M, I1087M, I842M.
Identifiers: ClinVar variation 639253 (VCV000639253.49), dbSNP rs201719515, ClinGen allele CA3497692.